The following is an entry in ClinVar:

ClinVar aggregate classification (germline): Uncertain significance (1 of 4 stars; one submission).

Conditions:
Cardiovascular phenotype. Identifiers: MedGen CN230736.

Submission:

Ambry Genetics
Classification: Uncertain significance for Cardiovascular phenotype. Last evaluated: 2025-02-28. Review status: criteria provided, single submitter. Criteria: Ambry Variant Classification Scheme 2023. Collection method: clinical testing. Allele origin: germline.
Comment: The c.1122C>T variant (also known as p.G374G), located in coding exon 2 of the KCNJ5 gene, results from a C to T substitution at nucleotide position 1122. This nucleotide substitution does not change the amino acid at codon 374. This nucleotide position is not well conserved in available vertebrate species. In silico splice site analysis predicts that this alteration will result in the creation or strengthening of a novel splice donor site. Based on the available evidence, the clinical significance of this variant remains unclear.

NM_000890.5(KCNJ5):c.1122C>T (p.Gly374=)

Gene: KCNJ5 (potassium inwardly rectifying channel subfamily J member 5; plus strand). Cytogenetic location: 11q24.3.
Variant type: single nucleotide variant.
Coding change: c.1122C>T on transcript NM_000890.5 (MANE Select); coding-DNA position 1122, C replaced by T.
Protein change: p.Gly374=; no amino-acid change (glycine 374 retained).
Molecular consequence: synonymous variant.
Genome position (GRCh38, 1-based): chr11:128,916,593, C>T. VCF-style: chr11-128916593-C-T. GRCh37 (hg19) VCF-style: chr11-128786488-C-T.
Other names: c.1122C>T, p.Gly374= (NM_001354169.2).
Identifiers: ClinVar variation 3862867 (VCV003862867.1).
Genomic context (GRCh38, chr11:128,916,593, plus strand): 5'-CTATGAGACCAACACACCCAGCTGCTGTGCCAAGGAGCTGGCAGAAATGAAGAGGGAAGG[C>T]CGGCTCCTCCAGTACCTCCCCAGCCCCCCACTGCTGGGGGGCTGTGCTGAGGCAGGGCTG-3'
Protein context (NP_000881.3, residues 364-384): AKELAEMKRE[Gly374=]RLLQYLPSPP